The following is an entry in ClinVar:

ClinVar aggregate classification (germline): Likely pathogenic (1 of 4 stars; one submission).

Conditions:
ADCY3-related disorder. Also called: ADCY3-related condition.

Submission:

PreventionGenetics, part of Exact Sciences
Classification: Likely pathogenic for ADCY3-related condition. Last evaluated: 2024-12-18. Review status: criteria provided, single submitter. Criteria: ACMG Guidelines, 2015. Collection method: clinical testing. Allele origin: germline.
Comment: The ADCY3 c.1914C>A variant is predicted to result in premature protein termination (p.Cys638*). To our knowledge, this variant has not been reported in the literature or in a large population database (gnomAD), indicating this variant is rare. Nonsense variants in ADCY3 are expected to be pathogenic. This variant is interpreted as likely pathogenic.

NM_004036.5(ADCY3):c.1914C>A (p.Cys638Ter)

Gene: ADCY3 (adenylate cyclase 3; minus strand). Cytogenetic location: 2p23.3.
Variant type: single nucleotide variant.
Coding change: c.1914C>A on transcript NM_004036.5 (MANE Select); coding-DNA position 1914, C replaced by A.
Protein change: p.Cys638Ter; replaces cysteine 638 with a stop codon.
Molecular consequence: nonsense.
Genome position (GRCh38, 1-based): chr2:24,834,538, G>T on the plus strand (C>A on the coding strand, the complement: ADCY3 is on the minus strand). VCF-style: chr2-24834538-G-T. GRCh37 (hg19) VCF-style: chr2-25057407-G-T.
Other names: c.1914C>A, p.Cys638Ter (NM_001320613.2, NM_001377129.1, NM_001377130.1 and 1 more transcripts); c.1980C>A, p.Cys660Ter (NM_001377128.1); c.1191C>A, p.Cys397Ter (NM_001377131.1); short protein forms C638*, C660*, C397*.
Identifiers: ClinVar variation 5002584 (VCV005002584.1).
Genomic context (GRCh38, chr2:24,834,538, plus strand): 5'-CCCTCACCAGGGGTCGATGAGTATCTCGACCAGGGCCGTGCAGAGCAGGACGACGCAGGA[G>T]CAGCTGAAGGCAGCCCCACTCTGCTTCTCCTTCTCCACCGAGTAGCGGGTTTCCATCTCG-3'